The following is an entry in ClinVar:

NM_000094.4(COL7A1):c.8102G>T (p.Gly2701Val)

Gene: COL7A1 (collagen type VII alpha 1 chain; minus strand). Cytogenetic location: 3p21.31.
Variant type: single nucleotide variant.
Coding change: c.8102G>T on transcript NM_000094.4 (MANE Select); coding-DNA position 8102, G replaced by T.
Protein change: p.Gly2701Val; replaces glycine 2701 with valine.
Molecular consequence: missense variant.
Genome position (GRCh38, 1-based): chr3:48,567,135, C>A on the plus strand (G>T on the coding strand, the complement: COL7A1 is on the minus strand). VCF-style: chr3-48567135-C-A. GRCh37 (hg19) VCF-style: chr3-48604568-C-A.
Other names: short protein forms G2701V.
Identifiers: ClinVar variation 379696 (VCV000379696.3), dbSNP rs1057520693, ClinGen allele CA16604943.

ClinVar aggregate classification (germline): Conflicting classifications of pathogenicity. Review status: criteria provided, conflicting classifications (1 of 4 stars). 2 submissions from 2 submitters: Pathogenic (1); Uncertain significance (1). Last evaluated 2020-10-20.

Submissions (2):

Blueprint Genetics
Classification: Uncertain significance. Last evaluated: 2020-10-20. Review status: criteria provided, single submitter. Criteria: ACMG Guidelines, 2015. Collection method: clinical testing. Allele origin: germline.

GeneDx
Classification: Pathogenic. Last evaluated: 2016-04-14. Review status: criteria provided, single submitter. Criteria: GeneDx Variant Classification (06012015). Collection method: clinical testing. Allele origin: germline. Affected: yes.
Comment: The G2701V variant in the COL7A1 gene has not been published as a pathogenic variant, nor has itbeen reported as a benign variant to our knowledge. The G2701V variant was not observed inapproximately 6,500 individuals of European and African American ancestry in the NHLBI ExomeSequencing Project, indicating it is not a common benign variant in these populations. The G2701Vvariant is a conservative amino acid substitution that occurs at a position that is conserved acrossspecies. In silico analysis predicts this variant is probably damaging to the protein structure/function,as it occurs at the first Glycine position of the canonical Gly-X-Y repeat in the collagenous domain ofthe COLVII protein. A missense variant at the same residue at the same residue (G2701W) has beenreported in the Human Gene Mutation Database in association with DEB (Stenson et al., 2014),supporting the functional importance of this region of the protein. We interpret G2701V as apathogenic variant.